The following is an entry in ClinVar:

ClinVar aggregate classification (germline): Uncertain significance (1 of 4 stars; one submission).

Conditions:
MAGEL2-related disorder. Also called: MAGEL2-related condition.

Submission:

PreventionGenetics, part of Exact Sciences
Classification: Uncertain significance for MAGEL2-related condition. Last evaluated: 2025-04-17. Review status: criteria provided, single submitter. Criteria: ACMG Guidelines, 2015. Collection method: clinical testing. Allele origin: germline.
Comment: The MAGEL2 c.3140T>A variant is predicted to result in the amino acid substitution p.Val1047Glu. To our knowledge, this variant has not been reported in the literature or in a large population database (gnomAD), indicating this variant is rare. At this time, the clinical significance of this variant is uncertain due to the absence of conclusive functional and genetic evidence.

NM_019066.5(MAGEL2):c.3140T>A (p.Val1047Glu)

Gene: MAGEL2 (MAGE family member L2; minus strand). Cytogenetic location: 15q11.2.
Variant type: single nucleotide variant.
Coding change: c.3140T>A on transcript NM_019066.5 (MANE Select); coding-DNA position 3140, T replaced by A.
Protein change: p.Val1047Glu; replaces valine 1047 with glutamic acid.
Molecular consequence: missense variant.
Genome position (GRCh38, 1-based): chr15:23,644,603, A>T on the plus strand (T>A on the coding strand, the complement: MAGEL2 is on the minus strand). VCF-style: chr15-23644603-A-T. GRCh37 (hg19) VCF-style: chr15-23889750-A-T.
Other names: short protein forms V1047E.
Identifiers: ClinVar variation 4997603 (VCV004997603.1).